The following is an entry in ClinVar:

NM_000843.4(GRM6):c.2144G>A (p.Trp715Ter)

Genes: GRM6 (glutamate metabotropic receptor 6; minus strand), ZNF454 (zinc finger protein 454; plus strand). Cytogenetic location: 5q35.3.
Variant type: single nucleotide variant.
Coding change: c.2144G>A on transcript NM_000843.4 (MANE Select); coding-DNA position 2144, G replaced by A.
Protein change: p.Trp715Ter; replaces tryptophan 715 with a stop codon.
Molecular consequence: nonsense.
Genome position (GRCh38, 1-based): chr5:178,983,202, C>T on the plus strand (G>A on the coding strand, the complement: GRM6 is on the minus strand). VCF-style: chr5-178983202-C-T. GRCh37 (hg19) VCF-style: chr5-178410203-C-T.
Other names: short protein forms W715*.
Identifiers: ClinVar variation 2860839 (VCV002860839.3), dbSNP rs1760440151, ClinGen allele CA362424830.

ClinVar aggregate classification (germline): Pathogenic (1 of 4 stars; one submission).

Allele frequency attached by ClinVar (database versions not stated): TOPMed below 0.00001.

Submission:

Labcorp Genetics (formerly Invitae), Labcorp
Classification: Pathogenic. Last evaluated: 2023-04-30. Review status: criteria provided, single submitter. Criteria: Invitae Variant Classification Sherloc (09022015). Collection method: clinical testing. Allele origin: germline.
Comment: This sequence change creates a premature translational stop signal (p.Trp715*) in the GRM6 gene. It is expected to result in an absent or disrupted protein product. Loss-of-function variants in GRM6 are known to be pathogenic (PMID: 15781871, 16622103, 22008250). This variant is not present in population databases (gnomAD no frequency). This variant has not been reported in the literature in individuals affected with GRM6-related conditions. For these reasons, this variant has been classified as Pathogenic.

Literature cited by the submitters: PubMed 15781871; PubMed 16622103; PubMed 22008250.